The following is an entry in ClinVar:

NM_001031679.3(MSRB3):c.15C>A (p.Asn5Lys)

Gene: MSRB3 (methionine sulfoxide reductase B3; plus strand). Cytogenetic location: 12q14.3.
Variant type: single nucleotide variant.
Coding change: c.15C>A on transcript NM_001031679.3 (MANE Select); coding-DNA position 15, C replaced by A.
Protein change: p.Asn5Lys; replaces asparagine 5 with lysine.
Molecular consequence: missense variant. On other transcripts: intron variant (1).
Genome position (GRCh38, 1-based): chr12:65,308,594, C>A. VCF-style: chr12-65308594-C-A. GRCh37 (hg19) VCF-style: chr12-65702374-C-A.
Other names: c.15C>A, p.Asn5Lys (NM_001193460.2, NM_001193461.2); c.98-18232C>A (NM_198080.4); short protein forms N5K.
Identifiers: ClinVar variation 1606531 (VCV001606531.8), dbSNP rs751645011, ClinGen allele CA6671364.

ClinVar aggregate classification (germline): Uncertain significance (1 of 4 stars; one submission).

Allele frequency attached by ClinVar (database versions not stated): ExAC 0.00001; gnomAD exomes 0.00001 and 0.00002; TOPMed 0.00003; gnomAD 0.00004.
gnomAD v4.1: 39 of 1,613,832 alleles (0.0024%); highest among the groups gnomAD compares: Non-Finnish European, 0.0032%; no homozygotes.

Submission:

Labcorp Genetics (formerly Invitae), Labcorp
Classification: Uncertain significance. Last evaluated: 2023-05-23. Review status: criteria provided, single submitter. Criteria: Invitae Variant Classification Sherloc (09022015). Collection method: clinical testing. Allele origin: germline.
Comment: This variant has not been reported in the literature in individuals affected with MSRB3-related conditions. In summary, the available evidence is currently insufficient to determine the role of this variant in disease. Therefore, it has been classified as a Variant of Uncertain Significance. Algorithms developed to predict the effect of sequence changes on RNA splicing suggest that this variant is not likely to affect RNA splicing. Experimental studies and prediction algorithms are not available or were not evaluated, and the functional significance of this variant is currently unknown. ClinVar contains an entry for this variant (Variation ID: 1606531). This variant is present in population databases (rs751645011, gnomAD 0.003%). This sequence change replaces asparagine, which is neutral and polar, with lysine, which is basic and polar, at codon 5 of the MSRB3 protein (p.Asn5Lys). The MSRB3 gene has multiple clinically relevant transcripts. This variant occurs in alternate transcript NM_001031679.2, and corresponds to NM_198080.3:c.98-18232C>A in the primary transcript.